The following is an entry in ClinVar:

ClinVar aggregate classification (germline): Uncertain significance (1 of 4 stars; one submission).

Submission:

Labcorp Genetics (formerly Invitae), Labcorp
Classification: Uncertain significance. Last evaluated: 2024-04-19. Review status: criteria provided, single submitter. Criteria: Invitae Variant Classification Sherloc (09022015). Collection method: clinical testing. Allele origin: germline.
Comment: This sequence change replaces proline, which is neutral and non-polar, with serine, which is neutral and polar, at codon 587 of the TNFAIP3 protein (p.Pro587Ser). This variant is not present in population databases (gnomAD no frequency). This variant has not been reported in the literature in individuals affected with TNFAIP3-related conditions. Advanced modeling of protein sequence and biophysical properties (such as structural, functional, and spatial information, amino acid conservation, physicochemical variation, residue mobility, and thermodynamic stability) performed at Invitae indicates that this missense variant is not expected to disrupt TNFAIP3 protein function with a negative predictive value of 80%. In summary, the available evidence is currently insufficient to determine the role of this variant in disease. Therefore, it has been classified as a Variant of Uncertain Significance.

NM_001270508.2(TNFAIP3):c.1759C>T (p.Pro587Ser)

Gene: TNFAIP3 (TNF alpha induced protein 3; plus strand). Cytogenetic location: 6q23.3.
Variant type: single nucleotide variant.
Coding change: c.1759C>T on transcript NM_001270508.2 (MANE Select); coding-DNA position 1759, C replaced by T.
Protein change: p.Pro587Ser; replaces proline 587 with serine.
Molecular consequence: missense variant.
Genome position (GRCh38, 1-based): chr6:137,879,204, C>T. VCF-style: chr6-137879204-C-T. GRCh37 (hg19) VCF-style: chr6-138200341-C-T.
Other names: c.1759C>T, p.Pro587Ser (NM_001270507.2, NM_006290.4); short protein forms P587S.
Identifiers: ClinVar variation 3650421 (VCV003650421.2).